The following is an entry in ClinVar:

ClinVar aggregate classification (germline): Benign. Review status: criteria provided, multiple submitters, no conflicts (2 of 4 stars). 2 submissions from 2 submitters: Benign (2). Last evaluated 2018-06-16.

Allele frequency attached by ClinVar (database versions not stated): gnomAD exomes 0.00930; gnomAD 0.03998 and 0.04151; ESP Exome Variant Server 0.04667; TOPMed 0.04685; 1000 Genomes Project 0.06543; 1000 Genomes Project 30x 0.06826.
gnomAD v4.1: 11,381 of 832,573 alleles (1.4%); highest among the groups gnomAD compares: African/African-American, 12%; 414 homozygotes.

Submissions (2):

GeneDx
Classification: Benign. Last evaluated: 2018-06-16. Review status: criteria provided, single submitter. Criteria: GeneDx Variant Classification (06012015). Collection method: clinical testing. Allele origin: germline. Affected: yes.
Comment: This variant is considered likely benign or benign based on one or more of the following criteria: it is a conservative change, it occurs at a poorly conserved position in the protein, it is predicted to be benign by multiple in silico algorithms, and/or has population frequency not consistent with disease.

Breakthrough Genomics
Classification: Benign. Review status: criteria provided, single submitter. Criteria: ACMG Guidelines, 2015. Collection method: not provided. Allele origin: germline. Inheritance: X-linked inheritance. Affected: yes.

NM_033641.4(COL4A6):c.280-77A>T

Gene: COL4A6 (collagen type IV alpha 6 chain; minus strand). Cytogenetic location: Xq22.3.
Variant type: single nucleotide variant.
Coding change: c.280-77A>T on transcript NM_033641.4 (MANE Select); 77 bases into the intron before coding-DNA position 280, A replaced by T.
Molecular consequence: intron variant.
Genome position (GRCh38, 1-based): chrX:108,219,819, T>A on the plus strand (A>T on the coding strand, the complement: COL4A6 is on the minus strand). VCF-style: chrX-108219819-T-A. GRCh37 (hg19) VCF-style: chrX-107463049-T-A.
Other names: c.283-77A>T (NM_001847.4); c.280-77A>T (NM_001287760.2, NM_001287759.2, NM_001287758.2).
Identifiers: ClinVar variation 683226 (VCV000683226.2), dbSNP rs2295921, ClinGen allele CA334038002.